The following is an entry in ClinVar:

ClinVar aggregate classification (germline): Uncertain significance (1 of 4 stars; one submission).

Submission:

Labcorp Genetics (formerly Invitae), Labcorp
Classification: Uncertain significance. Last evaluated: 2025-03-12. Review status: criteria provided, single submitter. Criteria: Invitae Variant Classification Sherloc (09022015). Collection method: clinical testing. Allele origin: germline.
Comment: This sequence change replaces glutamic acid, which is acidic and polar, with lysine, which is basic and polar, at codon 43 of the CETP protein (p.Glu43Lys). This variant is present in population databases (rs141121785, gnomAD 0.01%). This variant has not been reported in the literature in individuals affected with CETP-related conditions. Invitae Evidence Modeling of protein sequence and biophysical properties (such as structural, functional, and spatial information, amino acid conservation, physicochemical variation, residue mobility, and thermodynamic stability) indicates that this missense variant is not expected to disrupt CETP protein function with a negative predictive value of 80%. In summary, the available evidence is currently insufficient to determine the role of this variant in disease. Therefore, it has been classified as a Variant of Uncertain Significance.

NM_000078.3(CETP):c.127G>A (p.Glu43Lys)

Gene: CETP (cholesteryl ester transfer protein; plus strand). Cytogenetic location: 16q13.
Variant type: single nucleotide variant.
Coding change: c.127G>A on transcript NM_000078.3 (MANE Select); coding-DNA position 127, G replaced by A.
Protein change: p.Glu43Lys; replaces glutamic acid 43 with lysine.
Molecular consequence: missense variant.
Genome position (GRCh38, 1-based): chr16:56,963,018, G>A. VCF-style: chr16-56963018-G-A. GRCh37 (hg19) VCF-style: chr16-56996930-G-A.
Other names: c.127G>A, p.Glu43Lys (NM_001286085.2); short protein forms E43K.
Identifiers: ClinVar variation 4797077 (VCV004797077.1).